The following is an entry in ClinVar:

ClinVar aggregate classification (germline): Uncertain significance (1 of 4 stars; one submission).

Submission:

Labcorp Genetics (formerly Invitae), Labcorp
Classification: Uncertain significance. Last evaluated: 2025-01-31. Review status: criteria provided, single submitter. Criteria: Invitae Variant Classification Sherloc (09022015). Collection method: clinical testing. Allele origin: germline.
Comment: This variant, c.3433_3435del, results in the deletion of 1 amino acid(s) of the GREB1L protein (p.Asp1145del), but otherwise preserves the integrity of the reading frame. This variant is not present in population databases (gnomAD no frequency). This variant has not been reported in the literature in individuals affected with GREB1L-related conditions. Experimental studies and prediction algorithms are not available or were not evaluated, and the functional significance of this variant is currently unknown. In summary, the available evidence is currently insufficient to determine the role of this variant in disease. Therefore, it has been classified as a Variant of Uncertain Significance.

NM_001142966.3(GREB1L):c.3433_3435del (p.Asp1145del)

Gene: GREB1L (GREB1 like retinoic acid receptor coactivator; plus strand). Cytogenetic location: 18q11.1.
Variant type: Deletion.
Coding change: c.3433_3435del on transcript NM_001142966.3 (MANE Select); coding-DNA positions 3433 to 3435, 3 bases deleted (GAC; older notation c.3433_3435delGAC).
Protein change: p.Asp1145del; deletes aspartic acid 1145.
Genome position (GRCh38, 1-based): chr18:21,499,770-21,499,772, GAC deleted. VCF-style (leftmost placement, unchanged base first): chr18-21499769-TGAC-T. GRCh37 (hg19) VCF-style: chr18-19079730-TGAC-T.
Other names: c.3562_3564del, p.Asp1188del (NM_001410867.1); c.3106_3108del, p.Asp1036del (NM_001410868.1); short protein forms D1145del, D1036del, D1188del.
Identifiers: ClinVar variation 4760128 (VCV004760128.1).
Genomic context (GRCh38, chr18:21,499,769, plus strand): 5'-TTCTGTCTGTTCTCTCACAGGTTCCATCATGGAGAATGGAGTGAGCTCTTCCAGCACAGC[TGAC>T]AAGTCCCAGAAGCAGTCCCTGACCCCCAGCTTTCAGAGCCCAGCCACCAGCTTGGGGCTG-3'